The following is an entry in ClinVar:

NM_000138.5(FBN1):c.2369G>T (p.Cys790Phe)

Gene: FBN1 (fibrillin 1; minus strand). Cytogenetic location: 15q21.1.
Variant type: single nucleotide variant.
Coding change: c.2369G>T on transcript NM_000138.5 (MANE Select); coding-DNA position 2369, G replaced by T.
Protein change: p.Cys790Phe; replaces cysteine 790 with phenylalanine.
Molecular consequence: missense variant.
Genome position (GRCh38, 1-based): chr15:48,496,150, C>A on the plus strand (G>T on the coding strand, the complement: FBN1 is on the minus strand). VCF-style: chr15-48496150-C-A. GRCh37 (hg19) VCF-style: chr15-48788347-C-A.
Other names: short protein forms C790F.
Identifiers: ClinVar variation 406322 (VCV000406322.23), dbSNP rs193922188, ClinGen allele CA16614825.
Genomic context (GRCh38, chr15:48,496,150, plus strand): 5'-TATGGTTTACCTTCACATGTTTTTAGATCAGGTTTGTAGATAAATCCCTTGGGGCAGGTA[C>A]AGACAAAACTTCCAGGAGTATTTCTACATTGTCCATTGTCACAAAGGAGACTGTTCAGTA-3'
Protein context (NP_000129.3, residues 780-800): QCRNTPGSFV[Cys790Phe]TCPKGFIYKP

ClinVar aggregate classification (germline): Pathogenic. Review status: criteria provided, multiple submitters, no conflicts (2 of 4 stars). 2 submissions from 2 submitters: Pathogenic (2). Last evaluated 2024-11-01.

Conditions:
Familial thoracic aortic aneurysm and aortic dissection (TAAD). Also called: Thoracic aortic aneurysms and dissections. Identifiers: Orphanet 91387, MedGen C4707243, MONDO:0019625.
Marfan syndrome (MFS). Also called: Marfan syndrome type 1; Marfan's syndrome; FBN1-Related Marfan Syndrome; MARFAN SYNDROME, TYPE I; Marfan syndrome, classic. Identifiers: Orphanet 284963, Orphanet 558, MedGen C0024796, MONDO:0007947, OMIM 154700.

Submissions (2):

CeGaT Center for Human Genetics Tuebingen
Classification: Pathogenic. Last evaluated: 2024-11-01. Review status: criteria provided, single submitter. Criteria: CeGaT Center For Human Genetics Tuebingen Variant Classification Criteria Version 2. Collection method: clinical testing. Allele origin: germline. Affected: yes. Observed: 1 variant allele.
Comment: FBN1: PM1:Strong, PM2, PM5, PS4:Moderate

Labcorp Genetics (formerly Invitae), Labcorp
Classification: Pathogenic for Marfan syndrome; Familial thoracic aortic aneurysm and aortic dissection. Last evaluated: 2022-09-23. Review status: criteria provided, single submitter. Criteria: Invitae Variant Classification Sherloc (09022015). Collection method: clinical testing. Allele origin: germline.
Comment: This sequence change replaces cysteine, which is neutral and slightly polar, with phenylalanine, which is neutral and non-polar, at codon 790 of the FBN1 protein (p.Cys790Phe). This variant is not present in population databases (gnomAD no frequency). This missense change has been observed in individual(s) with classical Marfan syndrome (PMID: 19293843). ClinVar contains an entry for this variant (Variation ID: 406322). Advanced modeling of protein sequence and biophysical properties (such as structural, functional, and spatial information, amino acid conservation, physicochemical variation, residue mobility, and thermodynamic stability) performed at Invitae indicates that this missense variant is expected to disrupt FBN1 protein function. This variant affects a cysteine residue in the EGF-like, TGFBP or hybrid motif domains of FBN1. Cysteine residues are believed to be involved in intramolecular disulfide bridges and have been shown to be important for FBN1 protein structure (PMID: 16905551, 19349279). In addition, missense substitutions affecting cysteine residues within these domains are significantly overrepresented among patients with Marfan syndrome (PMID: 16571647, 17701892). This variant disrupts the p.Cys790 amino acid residue in FBN1. Other variant(s) that disrupt this residue have been observed in individuals with FBN1-related conditions (PMID: 19293843, 21542060, 22876116), which suggests that this may be a clinically significant amino acid residue. For these reasons, this variant has been classified as Pathogenic.

Literature cited by the submitters: PubMed 19293843 (cited by Labcorp Genetics (formerly Invitae), Labcorp); PubMed 16905551 (cited by Labcorp Genetics (formerly Invitae), Labcorp); PubMed 19349279 (cited by Labcorp Genetics (formerly Invitae), Labcorp); PubMed 16571647 (cited by Labcorp Genetics (formerly Invitae), Labcorp); PubMed 17701892 (cited by Labcorp Genetics (formerly Invitae), Labcorp); PubMed 21542060 (cited by Labcorp Genetics (formerly Invitae), Labcorp); PubMed 22876116 (cited by Labcorp Genetics (formerly Invitae), Labcorp).